The following is an entry in ClinVar:

NM_004560.4(ROR2):c.1706C>T (p.Ser569Leu)

Gene: ROR2 (receptor tyrosine kinase like orphan receptor 2; minus strand). Cytogenetic location: 9q22.31.
Variant type: single nucleotide variant.
Coding change: c.1706C>T on transcript NM_004560.4 (MANE Select); coding-DNA position 1706, C replaced by T.
Protein change: p.Ser569Leu; replaces serine 569 with leucine.
Molecular consequence: missense variant.
Genome position (GRCh38, 1-based): chr9:91,724,788, G>A on the plus strand (C>T on the coding strand, the complement: ROR2 is on the minus strand). VCF-style: chr9-91724788-G-A. GRCh37 (hg19) VCF-style: chr9-94487070-G-A.
Other names: short protein forms S569L.
Identifiers: ClinVar variation 2957559 (VCV002957559.3), dbSNP rs533426442, ClinGen allele CA5120602.
Genomic context (GRCh38, chr9:91,724,788, plus strand): 5'-GGCTCCAGGGCGGACTTCACCGTGCGGTCATCATCGGTGCTGCCCACGTCCGAGTGCGGC[G>A]AGCGCATGACCAGGAATTCGTGGAGGTCGCCGTGCGAACAGTAGCTGAAGATCATGCTCA-3'
Protein context (NP_004551.2, residues 559-579): GDLHEFLVMR[Ser569Leu]PHSDVGSTDD

ClinVar aggregate classification (germline): Uncertain significance (1 of 4 stars; one submission).

Allele frequency attached by ClinVar (database versions not stated): gnomAD exomes 0.00001; ExAC 0.00003.

Submission:

Labcorp Genetics (formerly Invitae), Labcorp
Classification: Uncertain significance. Last evaluated: 2024-01-19. Review status: criteria provided, single submitter. Criteria: Invitae Variant Classification Sherloc (09022015). Collection method: clinical testing. Allele origin: germline.
Comment: This sequence change replaces serine, which is neutral and polar, with leucine, which is neutral and non-polar, at codon 569 of the ROR2 protein (p.Ser569Leu). This variant is present in population databases (rs533426442, gnomAD 0.01%). This variant has not been reported in the literature in individuals affected with ROR2-related conditions. Advanced modeling of protein sequence and biophysical properties (such as structural, functional, and spatial information, amino acid conservation, physicochemical variation, residue mobility, and thermodynamic stability) performed at Invitae indicates that this missense variant is expected to disrupt ROR2 protein function with a positive predictive value of 80%. In summary, the available evidence is currently insufficient to determine the role of this variant in disease. Therefore, it has been classified as a Variant of Uncertain Significance.